The following is an entry in ClinVar:

NM_005199.5(CHRNG):c.1297C>T (p.Gln433Ter)

Genes: CHRNG (cholinergic receptor nicotinic gamma subunit; plus strand), TIGD1 (tigger transposable element derived 1; minus strand). Cytogenetic location: 2q37.1.
Variant type: single nucleotide variant.
Coding change: c.1297C>T on transcript NM_005199.5 (MANE Select); coding-DNA position 1297, C replaced by T.
Protein change: p.Gln433Ter; replaces glutamine 433 with a stop codon.
Molecular consequence: nonsense. On other transcripts: 3 prime UTR variant (1).
Genome position (GRCh38, 1-based): chr2:232,544,819, C>T. VCF-style: chr2-232544819-C-T. GRCh37 (hg19) VCF-style: chr2-233409529-C-T.
Other names: c.*3288G>A (NM_145702.4); short protein forms Q433*.
Identifiers: ClinVar variation 4795213 (VCV004795213.1).

ClinVar aggregate classification (germline): Likely pathogenic (1 of 4 stars; one submission).

Conditions:
CHRNG-related disorder. Also called: CHRNG-related disorders; CHRNG-related condition.

Submission:

Laboratorio de Biologia Molecular/Medicina Genomica - IFF/Fiocruz, Instituto Fernandes Figueira, Fundacao Oswaldo Cruz
Classification: Likely pathogenic for CHRNG-related conditions. Last evaluated: 2025-09-02. Review status: criteria provided, single submitter. Criteria: ACMG Guidelines, 2015. Collection method: clinical testing. Allele origin: germline. Affected: yes. Observed: 1 variant allele.
Comment: Variant: c.1297C>T (p.Gln433Ter), in exon 11 of the CHRNG gene. Protein effect: Nonsense variant predicted to undergo NMD in a gene where LoF is a known mechanism of disease. Population database (gnomAD): Absent. ACMG/AMP criteria applied: PVS1, PM2_Supporting.